The following is an entry in ClinVar:

ClinVar aggregate classification (germline): Pathogenic (1 of 4 stars; one submission).

Conditions:
Neurometabolic disorder due to serine deficiency. Identifiers: Orphanet 35705, MedGen C5680148, MONDO:0018162.

Submission:

Myriad Genetics, Inc.
Classification: Pathogenic for Neurometabolic disorder due to serine deficiency. Last evaluated: 2024-05-14. Review status: criteria provided, single submitter. Criteria: Myriad Autosomal Dominant, Autosomal Recessive and X-Linked Classification Criteria (2023). Collection method: clinical testing. Allele origin: unknown.
Comment: NM_006623.3(PHGDH):c.758_759ins13(C254Sfs*27) is expected to be pathogenic in the context of serine deficiency disorder, PHGDH-related. This variant is predicted to lead to an abnormal or absent protein product due to the creation of a premature termination codon in PHGDH, a gene where loss-of-function variants are known to be pathogenic. Please note: this variant was assessed in the context of healthy population screening.

NM_006623.4(PHGDH):c.758_759insATCTGTGATCGTC (p.Cys254fs)

Gene: PHGDH (phosphoglycerate dehydrogenase; plus strand). Cytogenetic location: 1p12.
Variant type: Insertion.
Coding change: c.758_759insATCTGTGATCGTC on transcript NM_006623.4 (MANE Select); coding-DNA positions 758 to 759, ATCTGTGATCGTC inserted.
Protein change: p.Cys254fs; shifts the reading frame from cysteine 254.
Molecular consequence: frameshift variant.
Genome position: GRCh38 VCF-style: chr1-119735409-A-AATCTGTGATCGTC. GRCh37 (hg19) VCF-style: chr1-120278032-A-AATCTGTGATCGTC.
Other names: short protein forms C254fs.
Identifiers: ClinVar variation 5011119 (VCV005011119.1).